The following is an entry in ClinVar:

NM_004369.4(COL6A3):c.2933C>G (p.Ala978Gly)

Gene: COL6A3 (collagen type VI alpha 3 chain; minus strand). Cytogenetic location: 2q37.3.
Variant type: single nucleotide variant.
Coding change: c.2933C>G on transcript NM_004369.4 (MANE Select); coding-DNA position 2933, C replaced by G.
Protein change: p.Ala978Gly; replaces alanine 978 with glycine.
Molecular consequence: missense variant.
Genome position (GRCh38, 1-based): chr2:237,376,909, G>C on the plus strand (C>G on the coding strand, the complement: COL6A3 is on the minus strand). VCF-style: chr2-237376909-G-C. GRCh37 (hg19) VCF-style: chr2-238285552-G-C.
Other names: c.1712C>G, p.Ala571Gly (NM_057164.5); c.2315C>G, p.Ala772Gly (NM_057165.5, NM_057167.4); c.1112C>G, p.Ala371Gly (NM_057166.5); short protein forms A571G, A978G, A371G, A772G.
Identifiers: ClinVar variation 5008580 (VCV005008580.1).
Genomic context (GRCh38, chr2:237,376,909, plus strand): 5'-GACTCTGCAGCCAGGATAAACGCTGGAGACAGCACGATCTGCTCTAACTCAGCAGGGTCT[G>C]CGTTCTTGGCTTGGAAGATGAAAGGCACAACCCCACTCTGCTTCAGGTTACTTGCTGGCC-3'
Protein context (NP_004360.2, residues 968-988): VVPFIFQAKN[Ala978Gly]DPAELEQIVL

ClinVar aggregate classification (germline): Uncertain significance (1 of 4 stars; one submission).

Submission:

GeneDx
Classification: Uncertain significance. Last evaluated: 2026-02-23. Review status: criteria provided, single submitter. Criteria: GeneDx Variant Classification Process June 2021. Collection method: clinical testing. Allele origin: germline.
Comment: Not observed at significant frequency in large population cohorts (gnomAD); In silico analysis supports that this missense variant has a deleterious effect on protein structure/function; Has not been previously published as pathogenic or benign to our knowledge